The following is an entry in ClinVar:

NM_032977.4(CASP10):c.620C>G (p.Ser207Trp)

Gene: CASP10 (caspase 10; plus strand). Cytogenetic location: 2q33.1.
Variant type: single nucleotide variant.
Coding change: c.620C>G on transcript NM_032977.4 (MANE Select); coding-DNA position 620, C replaced by G.
Protein change: p.Ser207Trp; replaces serine 207 with tryptophan.
Molecular consequence: missense variant.
Genome position (GRCh38, 1-based): chr2:201,195,884, C>G. VCF-style: chr2-201195884-C-G. GRCh37 (hg19) VCF-style: chr2-202060607-C-G.
Other names: c.620C>G, p.Ser207Trp (NM_001206524.2, NM_001206542.2, NM_001230.5 and 3 more transcripts); short protein forms S207W.
Identifiers: ClinVar variation 2921440 (VCV002921440.3), dbSNP rs770997816, ClinGen allele CA350279621.

ClinVar aggregate classification (germline): Uncertain significance (1 of 4 stars; one submission).

Conditions:
Autoimmune lymphoproliferative syndrome type 2A (ALPS2A). Also called: AUTOIMMUNE LYMPHOPROLIFERATIVE SYNDROME, TYPE IIA; CASP10-Related Autoimmune Lymphoproliferative Syndrome; Autoimmune lymphoproliferative syndrome type 2. Identifiers: Orphanet 3261, MedGen C1858968, MONDO:0011383, OMIM 603909.

Submission:

Labcorp Genetics (formerly Invitae), Labcorp
Classification: Uncertain significance for Autoimmune lymphoproliferative syndrome type 2A. Last evaluated: 2023-12-25. Review status: criteria provided, single submitter. Criteria: Invitae Variant Classification Sherloc (09022015). Collection method: clinical testing. Allele origin: germline.
Comment: This sequence change replaces serine, which is neutral and polar, with tryptophan, which is neutral and slightly polar, at codon 207 of the CASP10 protein (p.Ser207Trp). This variant is not present in population databases (gnomAD no frequency). This variant has not been reported in the literature in individuals affected with CASP10-related conditions. An algorithm developed to predict the effect of missense changes on protein structure and function (PolyPhen-2) suggests that this variant is likely to be disruptive. In summary, the available evidence is currently insufficient to determine the role of this variant in disease. Therefore, it has been classified as a Variant of Uncertain Significance.